The following is an entry in ClinVar:

ClinVar aggregate classification (germline): Uncertain significance. Review status: criteria provided, multiple submitters, no conflicts (2 of 4 stars). 3 submissions from 3 submitters: Uncertain significance (3). Last evaluated 2026-05-23.

Conditions:
Myopathy, proximal, and ophthalmoplegia (CMYO6). Also called: MYOPATHY WITH CONGENITAL JOINT CONTRACTURES, OPHTHALMOPLEGIA, AND RIMMED VACUOLES; INCLUSION BODY MYOPATHY 3, AUTOSOMAL DOMINANT; CONGENITAL MYOPATHY 6 WITH OPHTHALMOPLEGIA. Identifiers: Orphanet 363677, Orphanet 79091, MedGen C1854106, MONDO:0011577, OMIM 605637.
Inborn genetic diseases. Identifiers: MedGen C0950123, MeSH D030342.

gnomAD v4.1: 6 of 1,612,440 alleles (0.00037%); highest among the groups gnomAD compares: Non-Finnish European, 0.00051%; no homozygotes.

Submissions (3):

Ambry Genetics
Classification: Uncertain significance for Inborn genetic diseases. Last evaluated: 2026-05-23. Review status: criteria provided, single submitter. Criteria: Ambry Variant Classification Scheme 2023. Collection method: clinical testing. Allele origin: germline.

Labcorp Genetics (formerly Invitae), Labcorp
Classification: Uncertain significance for Myopathy, proximal, and ophthalmoplegia. Last evaluated: 2026-01-14. Review status: criteria provided, single submitter. Criteria: Invitae Variant Classification Sherloc (09022015). Collection method: clinical testing. Allele origin: germline.
Comment: This sequence change replaces arginine, which is basic and polar, with glycine, which is neutral and non-polar, at codon 1886 of the MYH2 protein (p.Arg1886Gly). This variant is present in population databases (rs770991174, gnomAD 0.0009%). This variant has not been reported in the literature in individuals affected with MYH2-related conditions. ClinVar contains an entry for this variant (Variation ID: 3364370). Invitae Evidence Modeling of protein sequence and biophysical properties (such as structural, functional, and spatial information, amino acid conservation, physicochemical variation, residue mobility, and thermodynamic stability) indicates that this missense variant is expected to disrupt MYH2 protein function with a positive predictive value of 80%. In summary, the available evidence is currently insufficient to determine the role of this variant in disease. Therefore, it has been classified as a Variant of Uncertain Significance.

GeneDx
Classification: Uncertain significance. Last evaluated: 2023-11-20. Review status: criteria provided, single submitter. Criteria: GeneDx Variant Classification Process June 2021. Collection method: clinical testing. Allele origin: germline. Affected: yes.
Comment: Not observed at significant frequency in large population cohorts (gnomAD); In silico analysis supports that this missense variant has a deleterious effect on protein structure/function; Has not been previously published as pathogenic or benign to our knowledge

NM_017534.6(MYH2):c.5656A>G (p.Arg1886Gly)

Genes: MYH2 (myosin heavy chain 2; minus strand), MYHAS (myosin heavy chain gene cluster antisense RNA; plus strand). Cytogenetic location: 17p13.1.
Variant type: single nucleotide variant.
Coding change: c.5656A>G on transcript NM_017534.6 (MANE Select); coding-DNA position 5656, A replaced by G.
Protein change: p.Arg1886Gly; replaces arginine 1886 with glycine.
Molecular consequence: missense variant.
Genome position (GRCh38, 1-based): chr17:10,523,107, T>C on the plus strand (A>G on the coding strand, the complement: MYH2 is on the minus strand). VCF-style: chr17-10523107-T-C. GRCh37 (hg19) VCF-style: chr17-10426424-T-C.
Other names: c.5656A>G, p.Arg1886Gly (NM_001100112.2); short protein forms R1886G.
Identifiers: ClinVar variation 3364370 (VCV003364370.3).